The following is an entry in ClinVar:

NM_032387.5(WNK4):c.1196A>G (p.Lys399Arg)

Gene: WNK4 (WNK lysine deficient protein kinase 4; plus strand). Cytogenetic location: 17q21.2.
Variant type: single nucleotide variant.
Coding change: c.1196A>G on transcript NM_032387.5 (MANE Select); coding-DNA position 1196, A replaced by G.
Protein change: p.Lys399Arg; replaces lysine 399 with arginine.
Molecular consequence: missense variant. On other transcripts: intron variant (1).
Genome position (GRCh38, 1-based): chr17:42,785,122, A>G. VCF-style: chr17-42785122-A-G. GRCh37 (hg19) VCF-style: chr17-40937140-A-G.
Other names: c.252-144A>G (NM_001321299.2); short protein forms K399R.
Identifiers: ClinVar variation 4779597 (VCV004779597.1).
Genomic context (GRCh38, chr17:42,785,122, plus strand): 5'-AGAGGACGGGAGGTGTCATGCAACCCCTTCCCCAGGGCAGAAAGCCGAACAGCTTCCACA[A>G]GGTGAAGATACCCGAGGTGAAGGAGATCATTGAAGGCTGCATCCGCACGGATAAGAACGA-3'
Protein context (NP_115763.2, residues 389-409): TSGRKPNSFH[Lys399Arg]VKIPEVKEII

ClinVar aggregate classification (germline): Uncertain significance (1 of 4 stars; one submission).

gnomAD v4.1: 4 of 1,613,704 alleles (0.00025%); highest among the groups gnomAD compares: East Asian, 0.0022%; no homozygotes.

Submission:

Labcorp Genetics (formerly Invitae), Labcorp
Classification: Uncertain significance. Last evaluated: 2025-08-29. Review status: criteria provided, single submitter. Criteria: Invitae Variant Classification Sherloc (09022015). Collection method: clinical testing. Allele origin: germline.
Comment: This sequence change replaces lysine, which is basic and polar, with arginine, which is basic and polar, at codon 399 of the WNK4 protein (p.Lys399Arg). This variant is not present in population databases (gnomAD no frequency). This variant has not been reported in the literature in individuals affected with WNK4-related conditions. Invitae Evidence Modeling of protein sequence and biophysical properties (such as structural, functional, and spatial information, amino acid conservation, physicochemical variation, residue mobility, and thermodynamic stability) indicates that this missense variant is not expected to disrupt WNK4 protein function with a negative predictive value of 95%. Algorithms developed to predict the effect of sequence changes on RNA splicing suggest that this variant may disrupt the consensus splice site. In summary, the available evidence is currently insufficient to determine the role of this variant in disease. Therefore, it has been classified as a Variant of Uncertain Significance.